The following is an entry in ClinVar:

ClinVar aggregate classification (germline): Pathogenic (1 of 4 stars; one submission).

Submission:

GeneDx
Classification: Pathogenic. Last evaluated: 2023-03-01. Review status: criteria provided, single submitter. Criteria: GeneDx Variant Classification Process June 2021. Collection method: clinical testing. Allele origin: germline. Affected: yes.
Comment: Frameshift variant predicted to result in protein truncation or nonsense mediated decay in a gene for which loss of function is a known mechanism of disease; Not observed at significant frequency in large population cohorts (gnomAD); This variant is associated with the following publications: (PMID: 32461669)

NM_000548.5(TSC2):c.4536_4543del (p.Asp1512fs)

Gene: TSC2 (TSC complex subunit 2; plus strand). Cytogenetic location: 16p13.3.
Variant type: Deletion.
Coding change: c.4536_4543del on transcript NM_000548.5 (MANE Select); coding-DNA positions 4536 to 4543, 8 bases deleted (CGAGTCAA; older notation c.4536_4543delCGAGTCAA).
Protein change: p.Asp1512fs; shifts the reading frame from aspartic acid 1512.
Molecular consequence: frameshift variant. On other transcripts: non-coding transcript variant (5).
Genome position (GRCh38, 1-based): chr16:2,084,993-2,085,000, CGAGTCAA deleted; deleting any 8 consecutive bases within chr16:2,084,992-2,085,000 gives the same sequence; the c. name uses the placement nearest the transcript's 3' end. VCF-style (leftmost placement, unchanged base first): chr16-2084991-GACGAGTCA-G. GRCh37 (hg19) VCF-style: chr16-2134992-GACGAGTCA-G.
Other names: c.4536_4543delCGAGTCAA, p.Asp1512Glufs (NM_000548.3); c.4335_4342del, p.Asp1445fs (NM_001077183.3); c.4467_4474del, p.Asp1489fs (NM_001114382.3); c.4227_4234del, p.Asp1409fs (NM_001318827.2); c.4191_4198del, p.Asp1397fs (NM_001318829.2); c.3804_3811del, p.Asp1268fs (NM_001318831.2); c.4368_4375del, p.Asp1456fs (NM_001318832.2); c.4338_4345del, p.Asp1446fs (NM_001363528.2); and 27 more; short protein forms D1020fs, D1021fs, D1041fs, D1245fs, D1246fs, D1268fs, D1288fs, D1289fs.
Identifiers: ClinVar variation 2577654 (VCV002577654.1), dbSNP rs2544306369, ClinGen allele CA2580617464.